The following is an entry in ClinVar:

NM_024426.6(WT1):c.671C>G (p.Thr224Arg)

Gene: WT1 (WT1 transcription factor; minus strand). Cytogenetic location: 11p13.
Variant type: single nucleotide variant.
Coding change: c.671C>G on transcript NM_024426.6 (MANE Select); coding-DNA position 671, C replaced by G.
Protein change: p.Thr224Arg; replaces threonine 224 with arginine.
Molecular consequence: missense variant. On other transcripts: 5 prime UTR variant (1), non-coding transcript variant (2), intron variant (2).
Genome position (GRCh38, 1-based): chr11:32,428,610, G>C on the plus strand (C>G on the coding strand, the complement: WT1 is on the minus strand). VCF-style: chr11-32428610-G-C. GRCh37 (hg19) VCF-style: chr11-32450156-G-C.
Other names: c.671C>G, p.Thr224Arg (NM_000378.6, NM_001407044.1, NM_001407045.1 and 4 more transcripts); c.20C>G, p.Thr7Arg (NM_001198551.2, NM_001198552.2); c.-92C>G (NM_001407051.1); c.452C>G, p.Thr151Arg (NM_001429031.1, NM_001429032.1, NM_001429033.1 and 1 more transcripts); c.662-552C>G (NM_001407050.1, NM_001407047.1); short protein forms T224R, T151R, T219R, T7R.
Identifiers: ClinVar variation 3817436 (VCV003817436.1).
Genomic context (GRCh38, chr11:32,428,610, plus strand): 5'-AACTGCGCCGCATGGTGCGAGGGCGTGTGACCGTAGCTGGGCGTCCCGTCGAAGGTGACC[G>C]TGCTGTAACCTGCGGGAGCGGCGGAGAGAAGCACAGTGTCAGCGGTGCTCTCGCAAGACG-3'
Protein context (NP_077744.4, residues 214-234): QPAIRNQGYS[Thr224Arg]VTFDGTPSYG

ClinVar aggregate classification (germline): Uncertain significance (1 of 4 stars; one submission).

Conditions:
Inborn genetic diseases. Identifiers: MedGen C0950123, MeSH D030342.

gnomAD v4.1: 1 of 1,613,464 alleles (0.000062%); highest among the groups gnomAD compares: East Asian, 0.0022%; no homozygotes.

Submission:

Ambry Genetics
Classification: Uncertain significance for Inborn genetic diseases. Last evaluated: 2024-12-13. Review status: criteria provided, single submitter. Criteria: Ambry Variant Classification Scheme 2023. Collection method: clinical testing. Allele origin: germline.
Comment: The p.T219R variant (also known as c.656C>G), located in coding exon 2 of the WT1 gene, results from a C to G substitution at nucleotide position 656. The threonine at codon 219 is replaced by arginine, an amino acid with similar properties. This amino acid position is well conserved in available vertebrate species. In addition, the in silico prediction for this alteration is inconclusive. Based on the available evidence, the clinical significance of this variant remains unclear.